The following is an entry in ClinVar:

NM_014270.5(SLC7A9):c.584G>A (p.Gly195Glu)

Gene: SLC7A9 (solute carrier family 7 member 9; minus strand). Cytogenetic location: 19q13.11.
Variant type: single nucleotide variant.
Coding change: c.584G>A on transcript NM_014270.5 (MANE Select); coding-DNA position 584, G replaced by A.
Protein change: p.Gly195Glu; replaces glycine 195 with glutamic acid.
Molecular consequence: missense variant.
Genome position (GRCh38, 1-based): chr19:32,862,481, C>T on the plus strand (G>A on the coding strand, the complement: SLC7A9 is on the minus strand). VCF-style: chr19-32862481-C-T. GRCh37 (hg19) VCF-style: chr19-33353387-C-T.
Other names: c.584G>A, p.Gly195Glu (NM_001126335.2, NM_001243036.2); short protein forms G195E.
Identifiers: ClinVar variation 3377378 (VCV003377378.1).
Genomic context (GRCh38, chr19:32,862,481, plus strand): 5'-TGGTGTGTGCCCGTGCAGGGCCCACCCTCCCGTGGGTCACCTTGGGCCAGGAGCACCAGC[C>T]CGCTGATGATGATGATGGCCACGATCACCAGCTTGGCCGCGGTGAAGATGTTCTGGACGT-3'
Protein context (NP_055085.1, residues 185-205): LVIVAIIIIS[Gly195Glu]LVLLAQGNTK

ClinVar aggregate classification (germline): Pathogenic (1 of 4 stars; one submission).

Conditions:
Cystinuria (CSNU). Also called: CYSTINURIA, TYPE I; CYSTINURIA, TYPE II; CYSTINURIA, TYPE III; Cystinuria, non-type I. Identifiers: Orphanet 214, MedGen C0010691, MONDO:0009067, OMIM 220100, HP:0003131.

Submission:

Victorian Clinical Genetics Services, Murdoch Childrens Research Institute
Classification: Pathogenic for Cystinuria. Last evaluated: 2020-05-21. Review status: criteria provided, single submitter. Criteria: ACMG Guidelines, 2015. Collection method: clinical testing. Allele origin: germline. Affected: yes.
Comment: A heterozygous missense variant was identified, NM_014270.4(SLC7A9):c.584G>A in exon 5 of 13 of the SLC7A9 gene. This substitution is predicted to create a moderate amino acid change from a glycine to a glutamic acid at position 195 of the protein, NP_055085.1(SLC7A9):p.(Gly195Glu). The glycine at this position has very high conservation (100 vertebrates, UCSC), and is located within the amino acid permease domain. In silico software predicts this variant to be disease causing (Polyphen, SIFT, CADD, Mutation Taster). The variant is present in the gnomAD population database at a frequency of 0.0004% (1 heterozygote, 0 homozygotes). An alternative residue change at the same location has been reported in the gnomAD database at a frequency of 0.0008% (2 heterozygotes, 0 homozygotes). The variant has been previously identified in a cohort of patients with cystinuria (Wong K. et al. (2015). A different variant in the same codon resulting in a change to an arginine has also been shown to cause cystinuria (ClinVar, Font-Llitjos M. et al. (2005), Yuen Y. et al. (2006) & Bisceglia L. et al. (2010)). Based on information available at the time of curation, this variant has been classified as PATHOGENIC.

Literature cited by the submitters: PubMed 15635077; PubMed 16374432; PubMed 16609684; PubMed 19782624; PubMed 25109415.